The following is an entry in ClinVar:

NM_000412.5(HRG):c.1051C>A (p.Pro351Thr)

Gene: HRG (histidine rich glycoprotein; plus strand). Cytogenetic location: 3q27.3.
Variant type: single nucleotide variant.
Coding change: c.1051C>A on transcript NM_000412.5 (MANE Select); coding-DNA position 1051, C replaced by A.
Protein change: p.Pro351Thr; replaces proline 351 with threonine.
Molecular consequence: missense variant.
Genome position (GRCh38, 1-based): chr3:186,677,356, C>A. VCF-style: chr3-186677356-C-A. GRCh37 (hg19) VCF-style: chr3-186395145-C-A.
Other names: short protein forms P351T.
Identifiers: ClinVar variation 712517 (VCV000712517.7), dbSNP rs115242562, ClinGen allele CA2745863.
Genomic context (GRCh38, chr3:186,677,356, plus strand): 5'-ACTTTTGGCACAAATGGGGCCCAAAGACATTCTCATAATAATAATTCCAGTGACCTCCAT[C>A]CCCATAAGCATCATTCCCATGAACAGCATCCCCACGGACACCATCCCCATGCACACCATC-3'
Protein context (NP_000403.1, residues 341-361): SHNNNSSDLH[Pro351Thr]HKHHSHEQHP

ClinVar aggregate classification (germline): Benign. Review status: criteria provided, multiple submitters, no conflicts (2 of 4 stars). 3 submissions from 3 submitters: Benign (2). 1 of the submissions does not count toward it. Last evaluated 2019-12-31.

Conditions:
HRG-related disorder. Also called: HRG-related condition.

Allele frequency attached by ClinVar (database versions not stated): gnomAD exomes 0.00109 and 0.00254; ExAC 0.00309; gnomAD 0.00908 and 0.00969; ESP Exome Variant Server 0.00930; TOPMed 0.01002; 1000 Genomes Project 0.01118; 1000 Genomes Project 30x 0.01234.
gnomAD v4.1: 3,056 of 1,613,954 alleles (0.19%); highest among the groups gnomAD compares: African/African-American, 3.2%; 47 homozygotes.

Submissions (3):

Labcorp Genetics (formerly Invitae), Labcorp
Classification: Benign. Last evaluated: 2019-12-31. Review status: criteria provided, single submitter. Criteria: Invitae Variant Classification Sherloc (09022015). Collection method: clinical testing. Allele origin: germline.

Breakthrough Genomics
Classification: Benign. Review status: criteria provided, single submitter. Criteria: ACMG Guidelines, 2015. Collection method: not provided. Allele origin: germline. Inheritance: Autosomal dominant inheritance. Affected: yes.

PreventionGenetics, part of Exact Sciences
Classification: Benign for HRG-related condition. Last evaluated: 2019-07-01. Review status: no assertion criteria provided. Collection method: clinical testing. Allele origin: germline. Not counted in ClinVar's aggregate classification.
Comment: This variant is classified as benign based on ACMG/AMP sequence variant interpretation guidelines (Richards et al. 2015 PMID: 25741868, with internal and published modifications).